The following is an entry in ClinVar:

ClinVar aggregate classification (germline): Pathogenic. Review status: criteria provided, multiple submitters, no conflicts (2 of 4 stars). 2 submissions from 2 submitters: Pathogenic (2). Last evaluated 2024-03-02.

Conditions:
Charcot-Marie-Tooth disease type 4C (CMT4C). Also called: CHARCOT-MARIE-TOOTH DISEASE, DEMYELINATING, AUTOSOMAL RECESSIVE, TYPE 4C; CMT 4C; Charcot-Marie-Tooth Neuropathy Type 4C (CMT4C); CHARCOT-MARIE-TOOTH DISEASE, DEMYELINATING, TYPE 4C; SH3TC2-Related Hereditary Motor and Sensory Neuropathy. Identifiers: Orphanet 99949, MedGen C1866636, MONDO:0011113, OMIM 601596.
Susceptibility to mononeuropathy of the median nerve, mild. Also called: CARPAL TUNNEL SYNDROME, SUSCEPTIBILITY TO. Identifiers: MedGen C3150596, MONDO:0013237, OMIM 613353.

Submissions (2):

Fulgent Genetics
Classification: Pathogenic for Charcot-Marie-Tooth disease type 4C; Susceptibility to mononeuropathy of the median nerve, mild. Last evaluated: 2024-03-02. Review status: criteria provided, single submitter. Criteria: ACMG Guidelines, 2015. Collection method: clinical testing. Allele origin: germline.

GeneDx
Classification: Pathogenic. Last evaluated: 2017-07-03. Review status: criteria provided, single submitter. Criteria: GeneDx Variant Classification (06012015). Collection method: clinical testing. Allele origin: germline. Affected: yes.
Comment: The E830X pathogenic variant in the SH3TC2 gene has not been reported previously as a pathogenic variant nor as a benign variant, to our knowledge. This variant is predicted to cause loss of normal protein function either through protein truncation or nonsense-mediated mRNA decay. Furthermore, the E830X variant was not observed in approximately 6,500 individuals of European and African American ancestry in the NHLBI Exome Sequencing Project, indicating it is not a common benign variant in these populations. Therefore, we interpret E830X as a pathogenic variant.

NM_024577.4(SH3TC2):c.2488G>T (p.Glu830Ter)

Gene: SH3TC2 (SH3 domain and tetratricopeptide repeats 2; minus strand). Cytogenetic location: 5q32.
Variant type: single nucleotide variant.
Coding change: c.2488G>T on transcript NM_024577.4 (MANE Select); coding-DNA position 2488, G replaced by T.
Protein change: p.Glu830Ter; replaces glutamic acid 830 with a stop codon.
Molecular consequence: nonsense.
Genome position (GRCh38, 1-based): chr5:149,027,244, C>A on the plus strand (G>T on the coding strand, the complement: SH3TC2 is on the minus strand). VCF-style: chr5-149027244-C-A. GRCh37 (hg19) VCF-style: chr5-148406807-C-A.
Other names: short protein forms E830*.
Identifiers: ClinVar variation 246578 (VCV000246578.3), dbSNP rs879254317, ClinGen allele CA10584269.